The following is an entry in ClinVar:

ClinVar aggregate classification (germline): Uncertain significance. Review status: criteria provided, multiple submitters, no conflicts (2 of 4 stars). 2 submissions from 2 submitters: Uncertain significance (2). Last evaluated 2022-10-05.

Submissions (2):

Blueprint Genetics
Classification: Uncertain significance. Last evaluated: 2022-10-05. Review status: criteria provided, single submitter. Criteria: ACMG Guidelines, 2015. Collection method: clinical testing. Allele origin: germline.

Labcorp Genetics (formerly Invitae), Labcorp
Classification: Uncertain significance. Last evaluated: 2022-08-21. Review status: criteria provided, single submitter. Criteria: Invitae Variant Classification Sherloc (09022015). Collection method: clinical testing. Allele origin: germline.
Comment: This sequence change replaces glycine, which is neutral and non-polar, with arginine, which is basic and polar, at codon 1730 of the VCAN protein (p.Gly1730Arg). This variant is not present in population databases (gnomAD no frequency). This variant has not been reported in the literature in individuals affected with VCAN-related conditions. Algorithms developed to predict the effect of missense changes on protein structure and function output the following: SIFT: "Tolerated"; PolyPhen-2: "Benign"; Align-GVGD: "Class C0". The arginine amino acid residue is found in multiple mammalian species, which suggests that this missense change does not adversely affect protein function. Algorithms developed to predict the effect of sequence changes on RNA splicing suggest that this variant may create or strengthen a splice site. In summary, the available evidence is currently insufficient to determine the role of this variant in disease. Therefore, it has been classified as a Variant of Uncertain Significance.

NM_004385.5(VCAN):c.5188G>C (p.Gly1730Arg)

Genes: VCAN (versican; plus strand), VCAN-AS1 (VCAN antisense RNA 1; minus strand). Cytogenetic location: 5q14.3.
Variant type: single nucleotide variant.
Coding change: c.5188G>C on transcript NM_004385.5 (MANE Select); coding-DNA position 5188, G replaced by C.
Protein change: p.Gly1730Arg; replaces glycine 1730 with arginine.
Molecular consequence: missense variant. On other transcripts: intron variant (2).
Genome position (GRCh38, 1-based): chr5:83,538,191, G>C. VCF-style: chr5-83538191-G-C. GRCh37 (hg19) VCF-style: chr5-82834010-G-C.
Other names: c.2227G>C, p.Gly743Arg (NM_001164097.2); c.4004-7346G>C (NM_001164098.2); c.1043-7346G>C (NM_001126336.3); short protein forms G1730R, G743R.
Identifiers: ClinVar variation 1717253 (VCV001717253.6), dbSNP rs2479107023, ClinGen allele CA360309874.